The following is an entry in ClinVar:

NM_001267550.2(TTN):c.102309_102310insCCTAATGCTAGATGACACATTAGTGGGTGCAGCGCACCAGCATGGCACATGTATACATATGTAACTAACCTGNNNNNNNNNNAAAAAAAAAAAAAAAAAAAAAAGAAAGACCTCAAC (p.Met34104delinsProAsnAlaArgTer)

Genes: TTN (titin; minus strand), TTN-AS1 (TTN antisense RNA 1; plus strand). Cytogenetic location: 2q31.2.
Variant type: Insertion.
Coding change: c.102309_102310insCCTAATGCTAGATGACACATTAGTGGGTGCAGCGCACCAGCATGGCACATGTATACATATGTAACTAACCTGNNNNNNNNNNAAAAAAAAAAAAAAAAAAAAAAGAAAGACCTCAAC on transcript NM_001267550.2 (MANE Select); coding-DNA positions 102309 to 102310, CCTAATGCTAGATGACACATTAGTGGGTGCAGCGCACCAGCATGGCACATGTATACATATGTAACTAACCTGNNNNNNNNNNAAAAAAAAAAAAAAAAAAAAAAGAAAGACCTCAAC inserted.
Protein change: p.Met34104delinsProAsnAlaArgTer.
Molecular consequence: nonsense.
Genome position: GRCh38: chr2:178,534,320-178,534,321. GRCh37 (hg19): chr2:179,399,047-179,399,048.
Other names: c.97386_97387insCCTAATGCTAGATGACACATTAGTGGGTGCAGCGCACCAGCATGGCACATGTATACATATGTAACTAACCTGNNNNNNNNNNAAAAAAAAAAAAAAAAAAAAAAGAAAGACCTCAAC, p.Met32463delinsProAsnAlaArgTer (NM_001256850.1); c.75114_75115insCCTAATGCTAGATGACACATTAGTGGGTGCAGCGCACCAGCATGGCACATGTATACATATGTAACTAACCTGNNNNNNNNNNAAAAAAAAAAAAAAAAAAAAAAGAAAGACCTCAAC, p.Met25039delinsProAsnAlaArgTer (NM_003319.4); c.94605_94606insCCTAATGCTAGATGACACATTAGTGGGTGCAGCGCACCAGCATGGCACATGTATACATATGTAACTAACCTGNNNNNNNNNNAAAAAAAAAAAAAAAAAAAAAAGAAAGACCTCAAC, p.Met31536delinsProAsnAlaArgTer (NM_133378.4); c.75489_75490insCCTAATGCTAGATGACACATTAGTGGGTGCAGCGCACCAGCATGGCACATGTATACATATGTAACTAACCTGNNNNNNNNNNAAAAAAAAAAAAAAAAAAAAAAGAAAGACCTCAAC, p.Met25164delinsProAsnAlaArgTer (NM_133432.3); c.75690_75691insCCTAATGCTAGATGACACATTAGTGGGTGCAGCGCACCAGCATGGCACATGTATACATATGTAACTAACCTGNNNNNNNNNNAAAAAAAAAAAAAAAAAAAAAAGAAAGACCTCAAC, p.Met25231delinsProAsnAlaArgTer (NM_133437.4).
Identifiers: ClinVar variation 1498721 (VCV001498721.8), dbSNP rs2154135797.

ClinVar aggregate classification (germline): Likely pathogenic (1 of 4 stars; one submission).

Conditions:
Dilated cardiomyopathy 1G (CMD1G). Identifiers: Orphanet 154, MedGen C1858763, MONDO:0011400, OMIM 604145.
Autosomal recessive limb-girdle muscular dystrophy type 2J (LGMDR10). Also called: Limb-girdle muscular dystrophy, type 2J; MUSCULAR DYSTROPHY, LIMB-GIRDLE, AUTOSOMAL RECESSIVE 10. Identifiers: Orphanet 140922, MedGen C1837342, MONDO:0012127, OMIM 608807.

Submission:

Labcorp Genetics (formerly Invitae), Labcorp
Classification: Likely pathogenic for Dilated cardiomyopathy 1G; Autosomal recessive limb-girdle muscular dystrophy type 2J. Last evaluated: 2023-12-06. Review status: criteria provided, single submitter. Criteria: Invitae Variant Classification Sherloc (09022015). Collection method: clinical testing. Allele origin: germline.
Comment: This sequence change inserts a large fragment of DNA, likely a transposable element, in exon 358 of the TTN gene (c.102309_102310ins?), causing a frameshift at codon 34104 (p.Asn34104fs). The exact size and sequence of the insertion cannot be determined by the current assay. While this is not anticipated to result in nonsense mediated decay, it is expected to create a truncated TTN protein. This variant is not present in population databases (gnomAD no frequency). This variant has not been reported in the literature in individuals affected with TTN-related conditions. ClinVar contains an entry for this variant (Variation ID: 1498721). This variant is located in the M band of TTN (PMID: 25589632). Truncating variants in this region have been previously reported in individuals affected with autosomal recessive myopathy and muscular dystrophy (PMID: 18948003, 23975875, 24395473). Truncating variants in this region have also been identified in individuals affected with autosomal dominant dilated cardiomyopathy and/or cardio-related conditions (PMID: 27869827, 32964742). Retrotransposon insertions including LINE1 (L1), Alu, and SVA (SINE-VNTR-Alu) have been reported to disrupt protein function (PMID: 19763152, 20307669, 22406018). However the effect of this particular variant is unknown. In summary, the currently available evidence indicates that the variant is pathogenic, but additional data are needed to prove that conclusively. Therefore, this variant has been classified as Likely Pathogenic.

Literature cited by the submitters: PubMed 25589632; PubMed 18948003; PubMed 23975875; PubMed 24395473; PubMed 27869827; PubMed 32964742; PubMed 19763152; PubMed 20307669; PubMed 22406018.